The following is an entry in ClinVar:

NM_001384950.1(NLRC5):c.4322+98A>G

Gene: NLRC5 (NLR family CARD domain containing 5; plus strand). Cytogenetic location: 16q13.
Variant type: single nucleotide variant.
Coding change: c.4322+98A>G on transcript NM_001384950.1 (MANE Select); 98 bases into the intron after coding-DNA position 4322, A replaced by G.
Molecular consequence: intron variant.
Genome position (GRCh38, 1-based): chr16:57,066,712, A>G. VCF-style: chr16-57066712-A-G. GRCh37 (hg19) VCF-style: chr16-57100624-A-G.
Other names: c.4238+98A>G (NM_001384954.1); c.4319+98A>G (NM_001384953.1, NM_001384952.1); c.4232+98A>G (NM_001384957.1); c.4235+98A>G (NM_001384956.1, NM_001384951.1, NM_001384955.1 and 1 more transcripts); c.4145+98A>G (NM_001384959.1, NM_001384960.1); c.4322+98A>G (NM_032206.5); c.4148+98A>G (NM_001384958.1).
Identifiers: ClinVar variation 103194 (VCV000103194.2), dbSNP rs199476006, ClinGen allele CA230242.

ClinVar aggregate classification (germline): not provided (0 of 4 stars; one submission).

Allele frequency attached by ClinVar (database versions not stated): gnomAD 0.00003 and 0.00005; gnomAD exomes 0.00003; TOPMed 0.00004.

Submission:

Human Evolutionary Genetics, Institut Pasteur
No classification provided. Review status: no classification provided. Collection method: not provided. Allele origin: germline.
ClinVar note: Converted during submission from untested to not provided.